The following is an entry in ClinVar:

ClinVar aggregate classification (germline): Uncertain significance (1 of 4 stars; one submission).

Conditions:
Pierson syndrome. Also called: MICROCORIA-CONGENITAL NEPHROTIC SYNDROME. Identifiers: Orphanet 2670, MedGen C1836876, MONDO:0012184, OMIM 609049.
LAMB2-related infantile-onset nephrotic syndrome. Also called: NEPHROTIC SYNDROME, TYPE 5, WITHOUT OCULAR ABNORMALITIES; NEPHROTIC SYNDROME, TYPE 5, WITH OCULAR ABNORMALITIES; Nephrotic Syndrome, type 5. Identifiers: Orphanet 306507, MedGen C3280113, MONDO:0013621, OMIM 614199.

Allele frequency attached by ClinVar (database versions not stated): TOPMed below 0.00001.

Submission:

Labcorp Genetics (formerly Invitae), Labcorp
Classification: Uncertain significance for LAMB2-related infantile-onset nephrotic syndrome; Pierson syndrome. Last evaluated: 2022-07-11. Review status: criteria provided, single submitter. Criteria: Invitae Variant Classification Sherloc (09022015). Collection method: clinical testing. Allele origin: germline.
Comment: This variant is not present in population databases (gnomAD no frequency). This sequence change replaces glycine, which is neutral and non-polar, with aspartic acid, which is acidic and polar, at codon 1619 of the LAMB2 protein (p.Gly1619Asp). This variant has not been reported in the literature in individuals affected with LAMB2-related conditions. In summary, the available evidence is currently insufficient to determine the role of this variant in disease. Therefore, it has been classified as a Variant of Uncertain Significance. Algorithms developed to predict the effect of missense changes on protein structure and function output the following: SIFT: "Tolerated"; PolyPhen-2: "Benign"; Align-GVGD: "Class C0". The aspartic acid amino acid residue is found in multiple mammalian species, which suggests that this missense change does not adversely affect protein function. ClinVar contains an entry for this variant (Variation ID: 1474480).

NM_002292.4(LAMB2):c.4856G>A (p.Gly1619Asp)

Gene: LAMB2 (laminin subunit beta 2; minus strand). Cytogenetic location: 3p21.31.
Variant type: single nucleotide variant.
Coding change: c.4856G>A on transcript NM_002292.4 (MANE Select); coding-DNA position 4856, G replaced by A.
Protein change: p.Gly1619Asp; replaces glycine 1619 with aspartic acid.
Molecular consequence: missense variant.
Genome position (GRCh38, 1-based): chr3:49,122,011, C>T on the plus strand (G>A on the coding strand, the complement: LAMB2 is on the minus strand). VCF-style: chr3-49122011-C-T. GRCh37 (hg19) VCF-style: chr3-49159444-C-T.
Other names: short protein forms G1619D.
Identifiers: ClinVar variation 1474480 (VCV001474480.8), dbSNP rs1318044416, ClinGen allele CA352687258.